The following is an entry in ClinVar:

NM_001277115.2(DNAH11):c.10286G>A (p.Arg3429His)

Gene: DNAH11 (dynein axonemal heavy chain 11; plus strand). Cytogenetic location: 7p15.3.
Variant type: single nucleotide variant.
Coding change: c.10286G>A on transcript NM_001277115.2 (MANE Select); coding-DNA position 10286, G replaced by A.
Protein change: p.Arg3429His; replaces arginine 3429 with histidine.
Molecular consequence: missense variant.
Genome position (GRCh38, 1-based): chr7:21,808,003, G>A. VCF-style: chr7-21808003-G-A. GRCh37 (hg19) VCF-style: chr7-21847621-G-A.
Other names: short protein forms R3429H.
Identifiers: ClinVar variation 665934 (VCV000665934.10), dbSNP rs756115857, ClinGen allele CA4182307.

ClinVar aggregate classification (germline): Likely pathogenic (1 of 4 stars; one submission).

Conditions:
Primary ciliary dyskinesia. Also called: Ciliary dyskinesia. Identifiers: Orphanet 244, MedGen C0008780, MONDO:0016575, HP:0012265.

Allele frequency attached by ClinVar (database versions not stated): ExAC 0.00001; gnomAD exomes 0.00001; TOPMed 0.00001.
gnomAD v4.1: 24 of 1,584,928 alleles (0.0015%); highest among the groups gnomAD compares: African/African-American, 0.0027%; no homozygotes.

Submission:

Labcorp Genetics (formerly Invitae), Labcorp
Classification: Likely pathogenic for Primary ciliary dyskinesia. Last evaluated: 2024-01-15. Review status: criteria provided, single submitter. Criteria: Invitae Variant Classification Sherloc (09022015). Collection method: clinical testing. Allele origin: germline.
Comment: This sequence change replaces arginine, which is basic and polar, with histidine, which is basic and polar, at codon 3429 of the DNAH11 protein (p.Arg3429His). The frequency data for this variant in the population databases is considered unreliable, as metrics indicate poor data quality at this position in the gnomAD database. This missense change has been observed in individual(s) with primary ciliary dyskinesia (Invitae). ClinVar contains an entry for this variant (Variation ID: 665934). Advanced modeling of protein sequence and biophysical properties (such as structural, functional, and spatial information, amino acid conservation, physicochemical variation, residue mobility, and thermodynamic stability) has been performed at Invitae for this missense variant, however the output from this modeling did not meet the statistical confidence thresholds required to predict the impact of this variant on DNAH11 protein function. This variant disrupts the p.Arg3429 amino acid residue in DNAH11. Other variant(s) that disrupt this residue have been observed in individuals with DNAH11-related conditions (PMID: 26139845), which suggests that this may be a clinically significant amino acid residue. In summary, the currently available evidence indicates that the variant is pathogenic, but additional data are needed to prove that conclusively. Therefore, this variant has been classified as Likely Pathogenic.

Literature cited by the submitters: PubMed 26139845.